The following is an entry in ClinVar:

NM_001042492.3(NF1):c.3369A>T (p.Glu1123Asp)

Gene: NF1 (neurofibromin 1; plus strand). Cytogenetic location: 17q11.2.
Variant type: single nucleotide variant.
Coding change: c.3369A>T on transcript NM_001042492.3 (MANE Select); coding-DNA position 3369, A replaced by T.
Protein change: p.Glu1123Asp; replaces glutamic acid 1123 with aspartic acid.
Molecular consequence: missense variant.
Genome position (GRCh38, 1-based): chr17:31,232,754, A>T. VCF-style: chr17-31232754-A-T. GRCh37 (hg19) VCF-style: chr17-29559772-A-T.
Other names: c.3369A>T, p.Glu1123Asp (NM_000267.4); short protein forms E1123D.
Identifiers: ClinVar variation 1476445 (VCV001476445.8), dbSNP rs2151434565, ClinGen allele CA398989087.
Genomic context (GRCh38, chr17:31,232,754, plus strand): 5'-TCTCAGATACTTCACATTATTTATGAACCTTTTGAATGACTGCAGTGAAGTTGAAGATGA[A>T]AGTGCGCAAACAGGTGGCAGGAAACGTGGCATGTCTCGGAGGCTGGCATCACTGAGGCAC-3'
Protein context (NP_001035957.1, residues 1113-1133): LLNDCSEVED[Glu1123Asp]SAQTGGRKRG

ClinVar aggregate classification (germline): Uncertain significance (1 of 4 stars; one submission).

Conditions:
Neurofibromatosis, type 1 (NF1). Also called: Neurofibromatosis, type I; VON RECKLINGHAUSEN DISEASE; NEUROFIBROMATOSIS, TYPE I, SOMATIC; Peripheral type neurofibromatosis. Identifiers: Orphanet 636, MedGen C0027831, MONDO:0018975, OMIM 162200. Disease mechanism: loss of function.

gnomAD v4.1: 1 of 1,613,964 alleles (0.000062%); highest among the groups gnomAD compares: Admixed American, 0.0017%; no homozygotes.

Submission:

Labcorp Genetics (formerly Invitae), Labcorp
Classification: Uncertain significance for Neurofibromatosis, type 1. Last evaluated: 2022-10-27. Review status: criteria provided, single submitter. Criteria: Invitae Variant Classification Sherloc (09022015). Collection method: clinical testing. Allele origin: germline.
Comment: In summary, the available evidence is currently insufficient to determine the role of this variant in disease. Therefore, it has been classified as a Variant of Uncertain Significance. Advanced modeling of protein sequence and biophysical properties (such as structural, functional, and spatial information, amino acid conservation, physicochemical variation, residue mobility, and thermodynamic stability) performed at Invitae indicates that this missense variant is not expected to disrupt NF1 protein function. ClinVar contains an entry for this variant (Variation ID: 1476445). This variant has not been reported in the literature in individuals affected with NF1-related conditions. This variant is not present in population databases (gnomAD no frequency). This sequence change replaces glutamic acid, which is acidic and polar, with aspartic acid, which is acidic and polar, at codon 1123 of the NF1 protein (p.Glu1123Asp).